The following is an entry in ClinVar:

NM_003268.6(TLR5):c.1857T>A (p.Val619=)

Gene: TLR5 (toll like receptor 5; minus strand). Cytogenetic location: 1q41.
Variant type: single nucleotide variant.
Coding change: c.1857T>A on transcript NM_003268.6 (MANE Select); coding-DNA position 1857, T replaced by A.
Protein change: p.Val619=; no amino-acid change (valine 619 retained).
Molecular consequence: synonymous variant.
Genome position (GRCh38, 1-based): chr1:223,111,175, A>T on the plus strand (T>A on the coding strand, the complement: TLR5 is on the minus strand). VCF-style: chr1-223111175-A-T. GRCh37 (hg19) VCF-style: chr1-223284517-A-T.
Identifiers: ClinVar variation 3039739 (VCV003039739.2), dbSNP rs779315333, ClinGen allele CA1409758.

ClinVar aggregate classification (germline): Likely benign (0 of 4 stars; one submission).

Conditions:
TLR5-related disorder. Also called: TLR5-related condition.

Allele frequency attached by ClinVar (database versions not stated): ExAC 0.00001; TOPMed 0.00001.
gnomAD v4.1: 5 of 1,614,238 alleles (0.00031%); highest among the groups gnomAD compares: Non-Finnish European, 0.00042%; no homozygotes.

Submission:

PreventionGenetics, part of Exact Sciences
Classification: Likely benign for TLR5-related condition. Last evaluated: 2019-09-17. Review status: no assertion criteria provided. Collection method: clinical testing. Allele origin: germline.
Comment: This variant is classified as likely benign based on ACMG/AMP sequence variant interpretation guidelines (Richards et al. 2015 PMID: 25741868, with internal and published modifications).